The following is an entry in ClinVar:

NM_001128205.2(SULF1):c.1459C>A (p.Gln487Lys)

Gene: SULF1 (sulfatase 1; plus strand). Cytogenetic location: 8q13.3.
Variant type: single nucleotide variant.
Coding change: c.1459C>A on transcript NM_001128205.2 (MANE Select); coding-DNA position 1459, C replaced by A.
Protein change: p.Gln487Lys; replaces glutamine 487 with lysine.
Molecular consequence: missense variant. On other transcripts: non-coding transcript variant (3).
Genome position (GRCh38, 1-based): chr8:69,621,116, C>A. VCF-style: chr8-69621116-C-A. GRCh37 (hg19) VCF-style: chr8-70533351-C-A.
Other names: c.1459C>A, p.Gln487Lys (NM_001128204.2, NM_001128206.2, NM_001412828.1 and 10 more transcripts); c.1330C>A, p.Gln444Lys (NM_001412832.1, NM_001412838.1, NM_001412839.1 and 1 more transcripts); c.1402C>A, p.Gln468Lys (NM_001412836.1, NM_001412837.1); c.1273C>A, p.Gln425Lys (NM_001412841.1, NM_001412842.1); c.859C>A, p.Gln287Lys (NM_001412844.1, NM_001412845.1); c.-333C>A (NM_001412846.1); short protein forms Q287K, Q444K, Q468K, Q425K, Q487K.
Identifiers: ClinVar variation 1982322 (VCV001982322.4), dbSNP rs372786570, ClinGen allele CA4775891.

ClinVar aggregate classification (germline): Uncertain significance (1 of 4 stars; one submission).

gnomAD v4.1: 7 of 1,613,996 alleles (0.00043%); highest among the groups gnomAD compares: African/African-American, 0.0067%; no homozygotes.

Submission:

Labcorp Genetics (formerly Invitae), Labcorp
Classification: Uncertain significance. Last evaluated: 2024-12-08. Review status: criteria provided, single submitter. Criteria: Invitae Variant Classification Sherloc (09022015). Collection method: clinical testing. Allele origin: germline.
Comment: This sequence change replaces glutamine, which is neutral and polar, with lysine, which is basic and polar, at codon 487 of the SULF1 protein (p.Gln487Lys). This variant is present in population databases (rs372786570, gnomAD 0.02%). This variant has not been reported in the literature in individuals affected with SULF1-related conditions. ClinVar contains an entry for this variant (Variation ID: 1982322). An algorithm developed to predict the effect of missense changes on protein structure and function outputs the following: PolyPhen-2: "Benign". The lysine amino acid residue is found in multiple mammalian species, which suggests that this missense change does not adversely affect protein function. In summary, the available evidence is currently insufficient to determine the role of this variant in disease. Therefore, it has been classified as a Variant of Uncertain Significance.